The following is an entry in ClinVar:

NM_001399.5(EDA):c.1008del (p.Ile336fs)

Gene: EDA (ectodysplasin A; plus strand). Cytogenetic location: Xq13.1.
Variant type: Deletion.
Coding change: c.1008del on transcript NM_001399.5 (MANE Select); coding-DNA position 1008, one base deleted (C; older notation c.1008delC).
Protein change: p.Ile336fs; shifts the reading frame from isoleucine 336.
Molecular consequence: frameshift variant.
Genome position (GRCh38, 1-based): chrX:70,035,441, C deleted. VCF-style (leftmost placement, unchanged base first): chrX-70035440-TC-T. GRCh37 (hg19) VCF-style: chrX-69255290-TC-T.
Other names: c.1002del, p.Ile334fs (NM_001005609.2); c.993del, p.Ile331fs (NM_001005612.3); short protein forms I331fs, I334fs, I336fs.
Identifiers: ClinVar variation 2631148 (VCV002631148.1), dbSNP rs2520346795, ClinGen allele CA2695200228.

ClinVar aggregate classification (germline): Likely pathogenic (1 of 4 stars; one submission).

Conditions:
EDA-related disorder. Also called: EDA-related disorders; EDA-related condition.

Submission:

PreventionGenetics, part of Exact Sciences
Classification: Likely pathogenic for EDA-related condition. Last evaluated: 2023-08-21. Review status: criteria provided, single submitter. Criteria: ACMG Guidelines, 2015. Collection method: clinical testing. Allele origin: germline.
Comment: The EDA c.1008delC variant is predicted to result in a frameshift and premature protein termination (p.Ile336Metfs*38). To our knowledge, this variant has not been reported in the literature or in a large population database, indicating this variant is rare. Frameshift variants in EDA are expected to be pathogenic. This variant is interpreted as likely pathogenic.